The following is an entry in ClinVar:

NM_003072.5(SMARCA4):c.1144A>G (p.Ile382Val)

Gene: SMARCA4 (SWI/SNF related BAF chromatin remodeling complex subunit ATPase 4; plus strand). Cytogenetic location: 19p13.2.
Variant type: single nucleotide variant.
Coding change: c.1144A>G on transcript NM_003072.5 (MANE Select); coding-DNA position 1144, A replaced by G.
Protein change: p.Ile382Val; replaces isoleucine 382 with valine.
Molecular consequence: missense variant. On other transcripts: non-coding transcript variant (1).
Genome position (GRCh38, 1-based): chr19:10,989,342, A>G. VCF-style: chr19-10989342-A-G. GRCh37 (hg19) VCF-style: chr19-11100018-A-G.
Other names: c.1144A>G, p.Ile382Val (NM_001128844.3, NM_001128845.2, NM_001128846.2 and 5 more transcripts); short protein forms I382V.
Identifiers: ClinVar variation 480662 (VCV000480662.6), dbSNP rs1555756309, ClinGen allele CA404059418.

ClinVar aggregate classification (germline): Uncertain significance (1 of 4 stars; one submission).

Conditions:
Hereditary cancer-predisposing syndrome. Also called: Hereditary Cancer Syndrome; Neoplastic Syndromes, Hereditary; Tumor predisposition; Hereditary neoplastic syndrome. Identifiers: Orphanet 140162, MedGen C0027672, MeSH D009386, MONDO:0015356.

Submission:

Ambry Genetics
Classification: Uncertain significance for Hereditary cancer-predisposing syndrome. Last evaluated: 2022-11-18. Review status: criteria provided, single submitter. Criteria: Ambry Variant Classification Scheme 2023. Collection method: clinical testing. Allele origin: germline.
Comment: The p.I382V variant (also known as c.1144A>G), located in coding exon 6 of the SMARCA4 gene, results from an A to G substitution at nucleotide position 1144. The isoleucine at codon 382 is replaced by valine, an amino acid with highly similar properties. This amino acid position is highly conserved in available vertebrate species. In addition, the in silico prediction for this alteration is inconclusive. Missense and in-frame variants in SMARCA4 are known to cause neurodevelopmental disorders; however, such associations with rhabdoid tumor predisposition syndrome including small cell carcinoma of the ovary-hypercalcemic type (SCCOHT) are exceedingly rare (Kosho T et al. Am J Med Genet C Semin Med Genet. 2014 Sep;166C(3):262-75; Jelinic P et al. Nat Genet. 2014 May;46(5):424-6). Based on the supporting evidence, the association of this alteration with Coffin-Siris syndrome is unknown; however, the association of this alteration with rhabdoid tumor predisposition syndrome is unlikely.